The following is an entry in ClinVar:

ClinVar aggregate classification (germline): Pathogenic (1 of 4 stars; one submission).

Conditions:
Charcot-Marie-Tooth disease type 4. Also called: Charcot-Marie-Tooth, Type 4; Charcot-Marie-Tooth disease, type IV. Identifiers: Orphanet 64749, MedGen C4082197, MONDO:0018995.

Submission:

Labcorp Genetics (formerly Invitae), Labcorp
Classification: Pathogenic for Charcot-Marie-Tooth disease type 4. Last evaluated: 2024-01-18. Review status: criteria provided, single submitter. Criteria: Invitae Variant Classification Sherloc (09022015). Collection method: clinical testing. Allele origin: unknown.
Comment: This variant is a gross deletion of the genomic region encompassing exon(s) 8-12 of the SBF2 gene. This deletion is out-of-frame, and is expected to create a premature termination codon and result in an absent or disrupted protein product. Loss-of-function variants in SBF2 are known to be pathogenic (PMID: 12687498, 25873783). This variant has not been reported in the literature in individuals affected with SBF2-related conditions. For these reasons, this variant has been classified as Pathogenic.

Literature cited by the submitters: PubMed 12687498; PubMed 25873783.

NC_000011.9:g.(?_10013942)_(10022589_?)del

Gene: SBF2 (SET binding factor 2; minus strand). Cytogenetic location: 11p15.4.
Variant type: Deletion.
Identifiers: ClinVar variation 3244699 (VCV003244699.1).